The following is an entry in ClinVar:

NM_018685.5(ANLN):c.1139G>A (p.Arg380His)

Gene: ANLN (anillin, actin binding protein; plus strand). Cytogenetic location: 7p14.2.
Variant type: single nucleotide variant.
Coding change: c.1139G>A on transcript NM_018685.5 (MANE Select); coding-DNA position 1139, G replaced by A.
Protein change: p.Arg380His; replaces arginine 380 with histidine.
Molecular consequence: missense variant.
Genome position (GRCh38, 1-based): chr7:36,410,556, G>A. VCF-style: chr7-36410556-G-A. GRCh37 (hg19) VCF-style: chr7-36450165-G-A.
Other names: c.1139G>A, p.Arg380His (NM_001284301.3, NM_001284302.3); short protein forms R380H.
Identifiers: ClinVar variation 1014004 (VCV001014004.28), dbSNP rs145634440, ClinGen allele CA4219518.

ClinVar aggregate classification (germline): Conflicting classifications of pathogenicity. Review status: criteria provided, conflicting classifications (1 of 4 stars). 2 submissions from 2 submitters: Uncertain significance (1); Likely benign (1). Last evaluated 2025-10-27.

Allele frequency attached by ClinVar (database versions not stated): gnomAD 0.00008 and 0.00007; ExAC 0.00009; ESP Exome Variant Server 0.00023; gnomAD exomes 0.00006; TOPMed 0.00006.
gnomAD v4.1: 91 of 1,613,382 alleles (0.0056%); highest among the groups gnomAD compares: Non-Finnish European, 0.007%; no homozygotes.

Submissions (2):

Labcorp Genetics (formerly Invitae), Labcorp
Classification: Uncertain significance. Last evaluated: 2025-10-27. Review status: criteria provided, single submitter. Criteria: Invitae Variant Classification Sherloc (09022015). Collection method: clinical testing. Allele origin: germline.
Comment: This sequence change replaces arginine, which is basic and polar, with histidine, which is basic and polar, at codon 380 of the ANLN protein (p.Arg380His). This variant is present in population databases (rs145634440, gnomAD 0.01%). This variant has not been reported in the literature in individuals affected with ANLN-related conditions. ClinVar contains an entry for this variant (Variation ID: 1014004). Invitae Evidence Modeling of protein sequence and biophysical properties (such as structural, functional, and spatial information, amino acid conservation, physicochemical variation, residue mobility, and thermodynamic stability) indicates that this missense variant is not expected to disrupt ANLN protein function with a negative predictive value of 80%. In summary, the available evidence is currently insufficient to determine the role of this variant in disease. Therefore, it has been classified as a Variant of Uncertain Significance.

CeGaT Center for Human Genetics Tuebingen
Classification: Likely benign. Last evaluated: 2024-01-01. Review status: criteria provided, single submitter. Criteria: CeGaT Center For Human Genetics Tuebingen Variant Classification Criteria Version 2. Collection method: clinical testing. Allele origin: germline. Affected: yes. Observed: 1 variant allele.
Comment: ANLN: BP4